The following is an entry in ClinVar:

NM_012431.3(SEMA3E):c.2281T>G (p.Ser761Ala)

Gene: SEMA3E (semaphorin 3E; minus strand). Cytogenetic location: 7q21.11.
Variant type: single nucleotide variant.
Coding change: c.2281T>G on transcript NM_012431.3 (MANE Select); coding-DNA position 2281, T replaced by G.
Protein change: p.Ser761Ala; replaces serine 761 with alanine.
Molecular consequence: missense variant.
Genome position (GRCh38, 1-based): chr7:83,367,633, A>C on the plus strand (T>G on the coding strand, the complement: SEMA3E is on the minus strand). VCF-style: chr7-83367633-A-C. GRCh37 (hg19) VCF-style: chr7-82996949-A-C.
Other names: c.2101T>G, p.Ser701Ala (NM_001178129.2); short protein forms S701A, S761A.
Identifiers: ClinVar variation 3345762 (VCV003345762.1).

ClinVar aggregate classification (germline): Uncertain significance (0 of 4 stars; one submission).

Conditions:
SEMA3E-related disorder. Also called: SEMA3E-related condition.

Submission:

PreventionGenetics, part of Exact Sciences
Classification: Uncertain significance for SEMA3E-related condition. Last evaluated: 2024-05-31. Review status: no assertion criteria provided. Collection method: clinical testing. Allele origin: germline.
Comment: The SEMA3E c.2281T>G variant is predicted to result in the amino acid substitution p.Ser761Ala. To our knowledge, this variant has not been reported in the literature or in a large population database, indicating this variant is rare. At this time, the clinical significance of this variant is uncertain due to the absence of conclusive functional and genetic evidence.